The following is an entry in ClinVar:

NM_001369.3(DNAH5):c.11425_11426delinsCTGTCTCTTATACACA (p.Ile3809fs)

Gene: DNAH5 (dynein axonemal heavy chain 5; minus strand). Cytogenetic location: 5p15.2.
Variant type: Indel.
Coding change: c.11425_11426delinsCTGTCTCTTATACACA on transcript NM_001369.3 (MANE Select); coding-DNA positions 11425 to 11426, AT replaced by CTGTCTCTTATACACA.
Protein change: p.Ile3809fs; shifts the reading frame from isoleucine 3809.
Molecular consequence: frameshift variant.
Genome position (GRCh38, 1-based): chr5:13,737,281-13,737,282, AT replaced by TGTGTATAAGAGACAG on the plus strand (AT replaced by CTGTCTCTTATACACA on the coding strand, the reverse complement: DNAH5 is on the minus strand). VCF-style: chr5-13737281-AT-TGTGTATAAGAGACAG. GRCh37 (hg19) VCF-style: chr5-13737390-AT-TGTGTATAAGAGACAG.
Other names: short protein forms I3809fs.
Identifiers: ClinVar variation 5016385 (VCV005016385.1).

ClinVar aggregate classification (germline): Pathogenic (1 of 4 stars; one submission).

Conditions:
Primary ciliary dyskinesia 3. Identifiers: Orphanet 244, MedGen C1837618, MONDO:0012085, OMIM 608644.

Submission:

Myriad Genetics, Inc.
Classification: Pathogenic for Primary ciliary dyskinesia 3. Last evaluated: 2024-05-14. Review status: criteria provided, single submitter. Criteria: Myriad Autosomal Dominant, Autosomal Recessive and X-Linked Classification Criteria (2023). Collection method: clinical testing. Allele origin: unknown.
Comment: NM_001369.2(DNAH5):c.11425_11426del2ins16(I3809Lfs*52) is expected to be pathogenic in the context of primary ciliary dyskinesia, DNAH5-related. This variant is predicted to lead to an abnormal or absent protein product due to the creation of a premature termination codon in DNAH5, a gene where loss-of-function variants are known to be pathogenic. Please note: this variant was assessed in the context of healthy population screening.